The following is an entry in ClinVar:

ClinVar aggregate classification (germline): Likely benign. Review status: reviewed by expert panel (3 of 4 stars). 4 submissions from 4 submitters: Likely benign (1). 3 of the submissions do not count toward it. Last evaluated 2024-08-27.

Conditions:
DICER1-related tumor predisposition. Also called: DICER1 syndrome; DICER1-related pleuropulmonary blastoma cancer predisposition syndrome. Identifiers: Orphanet 284343, MedGen C3839822, MONDO:0100216.
Hereditary cancer-predisposing syndrome. Also called: Neoplastic Syndromes, Hereditary; Tumor predisposition; Hereditary neoplastic syndrome; Hereditary Cancer Syndrome. Identifiers: Orphanet 140162, MedGen C0027672, MeSH D009386, MONDO:0015356.

Allele frequency attached by ClinVar (database versions not stated): TOPMed below 0.00001; gnomAD 0.00001; gnomAD exomes 0.00001.
gnomAD v4.1: 4 of 1,614,020 alleles (0.00025%); highest among the groups gnomAD compares: Non-Finnish European, 0.00034%; no homozygotes.

Submissions (4):

ClinGen DICER1 and miRNA-Processing Gene Variant Curation Expert Panel, ClinGen
Classification: Likely benign for DICER1-related tumor predisposition. Last evaluated: 2024-08-27. Review status: reviewed by expert panel. Criteria: ClinGen DICER1 ACMG Specifications DICER1 V1.3.0. Collection method: curation. Allele origin: germline. Inheritance: Autosomal dominant inheritance.
Comment: The NM_177438.3:c.1168T>C variant in DICER1 is a missense variant predicted to cause substitution of tyrosine by histidine at amino acid 390 (p.Tyr390His). The total allele frequency in gnomAD v4.1.0 is 0.000002478 (4/1614020 alleles) with a highest population minor allele frequency of 0.000003390 (4/1180016 alleles) in European (non-Finnish) population (PM2_Supporting, BS1, and BA1 are not met). This variant has been observed in trans with the variant c.5479del, p.Leu1827fs (Internal lab contributors: International PPB Registry, Invitae, Prevention Genetics (all same case)) which is classified as pathogenic by the ClinGen DICER1 VCEP (SCV002540823.1) in an individual with Type II PPB and SLCT. The phase of the variants was confirmed by family testing (BP2). In silico tools predict no damaging impact of the variant on protein function (REVEL: 0.16); MaxEntScan and SpliceAI: no effect on splicing) (BP4). In summary, this variant meets the criteria to be classified as Likely Benign for DICER1-related tumor predisposition based on the ACMG/AMP criteria applied, as specified by the ClinGen DICER1 VCEP: BP2, BP4. (Bayesian Points: -2; VCEP specifications version 1.3.0; 08/27/2024)

Labcorp Genetics (formerly Invitae), Labcorp
Classification: Likely benign for DICER1-related tumor predisposition. Last evaluated: 2026-01-24. Review status: criteria provided, single submitter. Criteria: Invitae Variant Classification Sherloc (09022015). Collection method: clinical testing. Allele origin: germline. Not counted in ClinVar's aggregate classification.

Ambry Genetics
Classification: Uncertain significance for Hereditary cancer-predisposing syndrome. Last evaluated: 2024-04-06. Review status: criteria provided, single submitter. Criteria: Ambry Variant Classification Scheme 2023. Collection method: clinical testing. Allele origin: germline. Not counted in ClinVar's aggregate classification.
Comment: The p.Y390H variant (also known as c.1168T>C), located in coding exon 7 of the DICER1 gene, results from a T to C substitution at nucleotide position 1168. The tyrosine at codon 390 is replaced by histidine, an amino acid with similar properties. This amino acid position is not well conserved in available vertebrate species. In addition, this alteration is predicted to be tolerated by in silico analysis. Since supporting evidence is limited at this time, the clinical significance of this alteration remains unclear.

PreventionGenetics, part of Exact Sciences
Classification: Uncertain significance. Last evaluated: 2017-03-16. Review status: criteria provided, single submitter. Criteria: ACMG Guidelines, 2015. Collection method: clinical testing. Allele origin: germline. Not counted in ClinVar's aggregate classification.

NM_177438.3(DICER1):c.1168T>C (p.Tyr390His)

Gene: DICER1 (dicer 1, ribonuclease III; minus strand). Cytogenetic location: 14q32.13.
Variant type: single nucleotide variant.
Coding change: c.1168T>C on transcript NM_177438.3 (MANE Select); coding-DNA position 1168, T replaced by C.
Protein change: p.Tyr390His; replaces tyrosine 390 with histidine.
Molecular consequence: missense variant.
Genome position (GRCh38, 1-based): chr14:95,124,404, A>G on the plus strand (T>C on the coding strand, the complement: DICER1 is on the minus strand). VCF-style: chr14-95124404-A-G. GRCh37 (hg19) VCF-style: chr14-95590741-A-G.
Other names: NM_177438.3(DICER1):c.1168T>C; p.Tyr390His; c.1168T>C, p.Tyr390His (NM_001195573.1, NM_001271282.3, NM_001291628.2 and 1 more transcripts); short protein forms Y390H.
Identifiers: ClinVar variation 242033 (VCV000242033.20), dbSNP rs878855241, ClinGen allele CA10583221.